The following is an entry in ClinVar:

NM_207352.4(CYP4V2):c.801+5G>A

Gene: CYP4V2 (cytochrome P450 family 4 subfamily V member 2; plus strand). Cytogenetic location: 4q35.1.
Variant type: single nucleotide variant.
Coding change: c.801+5G>A on transcript NM_207352.4 (MANE Select); 5 bases into the intron after coding-DNA position 801, G replaced by A.
Molecular consequence: intron variant.
Genome position (GRCh38, 1-based): chr4:186,199,088, G>A. VCF-style: chr4-186199088-G-A. GRCh37 (hg19) VCF-style: chr4-187120242-G-A.
Identifiers: ClinVar variation 1052337 (VCV001052337.9), dbSNP rs2126587346, ClinGen allele CA2499217185.

ClinVar aggregate classification (germline): Uncertain significance (1 of 4 stars; one submission).

Allele frequency attached by ClinVar (database versions not stated): gnomAD exomes below 0.00001.
gnomAD v4.1: 1 of 1,612,868 alleles (0.000062%); highest among the groups gnomAD compares: Non-Finnish European, 0.000085%; no homozygotes.

Submission:

Labcorp Genetics (formerly Invitae), Labcorp
Classification: Uncertain significance. Last evaluated: 2020-09-12. Review status: criteria provided, single submitter. Criteria: Invitae Variant Classification Sherloc (09022015). Collection method: clinical testing. Allele origin: germline.
Comment: This sequence change falls in intron 6 of the CYP4V2 gene. It does not directly change the encoded amino acid sequence of the CYP4V2 protein, but it affects a nucleotide within the consensus splice site of the intron. In summary, the available evidence is currently insufficient to determine the role of this variant in disease. Therefore, it has been classified as a Variant of Uncertain Significance. Nucleotide substitutions within the consensus splice site are a relatively common cause of aberrant splicing (PMID: 17576681, 9536098). Algorithms developed to predict the effect of sequence changes on RNA splicing suggest that this variant may disrupt the consensus splice site, but this prediction has not been confirmed by published transcriptional studies. This variant has been observed in individual(s) with Bietti crystalline corneoretinal dystrophy (PMID: 30429639). This variant is not present in population databases (ExAC no frequency).

Literature cited by the submitters: PubMed 17576681; PubMed 9536098; PubMed 30429639.